The following is an entry in ClinVar:

NM_206933.4(USH2A):c.7454T>C (p.Leu2485Ser)

Gene: USH2A (usherin; minus strand). Cytogenetic location: 1q41.
Variant type: single nucleotide variant.
Coding change: c.7454T>C on transcript NM_206933.4 (MANE Select); coding-DNA position 7454, T replaced by C.
Protein change: p.Leu2485Ser; replaces leucine 2485 with serine.
Molecular consequence: missense variant.
Genome position (GRCh38, 1-based): chr1:215,900,215, A>G on the plus strand (T>C on the coding strand, the complement: USH2A is on the minus strand). VCF-style: chr1-215900215-A-G. GRCh37 (hg19) VCF-style: chr1-216073557-A-G.
Other names: short protein forms L2485S.
Identifiers: ClinVar variation 1505158 (VCV001505158.8), dbSNP rs2102469649, ClinGen allele CA344848972.
Genomic context (GRCh38, chr1:215,900,215, plus strand): 5'-TCTGTGTACGGTTGGAGATCACTCACTTCATAGCTTAACGATGCAGAAGGATTGGAAAAT[A>G]ACCTGTATGGGAAATAAATGTCAATTAGGAAGTTTTCGACATTCAAAGAAATAAAAGCAA-3'
Protein context (NP_996816.3, residues 2475-2495): SGDSTHGFLE[Leu2485Ser]FSNPSASLSY

ClinVar aggregate classification (germline): Uncertain significance (1 of 4 stars; one submission).

Submission:

Labcorp Genetics (formerly Invitae), Labcorp
Classification: Uncertain significance. Last evaluated: 2022-09-13. Review status: criteria provided, single submitter. Criteria: Invitae Variant Classification Sherloc (09022015). Collection method: clinical testing. Allele origin: germline.
Comment: In summary, the available evidence is currently insufficient to determine the role of this variant in disease. Therefore, it has been classified as a Variant of Uncertain Significance. Algorithms developed to predict the effect of missense changes on protein structure and function (SIFT, PolyPhen-2, Align-GVGD) all suggest that this variant is likely to be disruptive. ClinVar contains an entry for this variant (Variation ID: 1505158). This variant has not been reported in the literature in individuals affected with USH2A-related conditions. This variant is not present in population databases (gnomAD no frequency). This sequence change replaces leucine, which is neutral and non-polar, with serine, which is neutral and polar, at codon 2485 of the USH2A protein (p.Leu2485Ser).